The following is an entry in ClinVar:

NM_001384140.1(PCDH15):c.4367+2251G>A

Gene: PCDH15 (protocadherin related 15; minus strand). Cytogenetic location: 10q21.1.
Variant type: single nucleotide variant.
Coding change: c.4367+2251G>A on transcript NM_001384140.1 (MANE Select); 2251 bases into the intron after coding-DNA position 4367, G replaced by A.
Molecular consequence: intron variant. On other transcripts: splice acceptor variant (9).
Genome position (GRCh38, 1-based): chr10:53,825,142, C>T on the plus strand (G>A on the coding strand, the complement: PCDH15 is on the minus strand). VCF-style: chr10-53825142-C-T. GRCh37 (hg19) VCF-style: chr10-55584902-C-T.
Other names: c.4367+2251G>A (NM_001354420.2, NM_001354429.2); c.4368-1G>A (NM_001142772.2, NM_001142770.3, NM_001142764.2); c.4383-1G>A (NM_001142771.2, NM_001142763.2); c.4388+2251G>A (NM_001354411.2); c.4404-1G>A (NM_001142769.3); c.4302-1784G>A (NM_001354404.2); c.4293-1G>A (NM_001142773.2); c.4302-1G>A (NM_001142768.2); and 4 more.
Identifiers: ClinVar variation 2677556 (VCV002677556.3), dbSNP rs868176515, ClinGen allele CA376527538.

ClinVar aggregate classification (germline): Conflicting classifications of pathogenicity. Review status: criteria provided, conflicting classifications (1 of 4 stars). 2 submissions from 2 submitters: Uncertain significance (1); Likely benign (1). Last evaluated 2026-07-25.

Conditions:
Autosomal recessive nonsyndromic hearing loss 23. Identifiers: Orphanet 90636, MedGen C1836027, MONDO:0012293, OMIM 609533.

gnomAD v4.1: 11 of 1,541,124 alleles (0.00071%); highest among the groups gnomAD compares: Non-Finnish European, 0.00096%; no homozygotes.

Submissions (2):

Baylor Genetics
Classification: Uncertain significance for Autosomal recessive nonsyndromic hearing loss 23. Last evaluated: 2026-07-25. Review status: criteria provided, single submitter. Criteria: ACMG Guidelines, 2015. Collection method: clinical testing. Allele origin: unknown.

Women's Health and Genetics/Laboratory Corporation of America, LabCorp
Classification: Likely benign. Last evaluated: 2025-02-07. Review status: criteria provided, single submitter. Criteria: LabCorp Variant Classification Summary - May 2015. Collection method: clinical testing. Allele origin: germline.
Comment: Variant summary: PCDH15 c.4368-1784G>A is located at a position not widely known to affect splicing. This variant is also referred to as c.4383-1G>A in alternate transcript NM_001142763, however the biologial relevance of this transcript is uncertain. Consensus agreement among computation tools predict no significant impact on normal splicing. However, these predictions have yet to be confirmed by functional studies. The variant was absent in 156726 control chromosomes. To our knowledge, no occurrence of c.4368-1784G>A in individuals affected with Usher Syndrome Type 1F and no experimental evidence demonstrating its impact on protein function have been reported. ClinVar contains an entry for this variant (Variation ID: 2677556). Based on the evidence outlined above, the variant was classified as likely benign.